The following is an entry in ClinVar:

NM_000018.4(ACADVL):c.428_467del (p.Gly143fs)

Gene: ACADVL (acyl-CoA dehydrogenase very long chain; plus strand). Cytogenetic location: 17p13.1.
Variant type: Deletion.
Coding change: c.428_467del on transcript NM_000018.4 (MANE Select); coding-DNA positions 428 to 467, 40 bases deleted.
Protein change: p.Gly143fs; shifts the reading frame from glycine 143.
Molecular consequence: frameshift variant.
Genome position (GRCh38, 1-based): chr17:7,221,009-7,221,048, 40 bases deleted; deleting any 40 consecutive bases within chr17:7,221,000-7,221,048 gives the same sequence; the c. name uses the placement nearest the transcript's 3' end. GRCh37 (hg19): chr17:7,124,328-7,124,367.
Other names: NM_000018.4(ACADVL):c.428_467del; p.Gly143fs; c.428_467delGTCTGCAAGTGCCCAGTGAGCTGGGTGGTGTGGGCCTTTG (NM_000018.2, NM_000018.3); c.362_401del, p.Gly121fs (NM_001033859.3); c.497_536del, p.Gly166fs (NM_001270447.2); c.200_239del, p.Gly67fs (NM_001270448.2); short protein forms G143fs, G67fs, G166fs, G121fs.
Identifiers: ClinVar variation 422995 (VCV000422995.20), dbSNP rs758144859, ClinGen allele CA8337697.
Genomic context (GRCh38, chr17:7,220,999, plus strand): 5'-GCCAAGAATGACGCTCTGGAGATGGTGGAGGAGACCACTTGGCAGGGCCTCAAGGAGCTG[GGGGCCTTTGGTCTGCAAGTGCCCAGTGAGCTGGGTGGTGT>G]GGGCCTTTGCAACACCCAGGTGAGGGCGCCCTATCGCCACATCCCAGTATGCCATACCCC-3'

ClinVar aggregate classification (germline): Pathogenic. Review status: reviewed by expert panel (3 of 4 stars). 8 submissions from 8 submitters: Pathogenic (1). 7 of the submissions do not count toward it. Last evaluated 2022-09-20.

Conditions:
Very long chain acyl-CoA dehydrogenase deficiency (ACADVLD). Also called: VLCAD Deficiency; Very Long-Chain Acyl-Coenzyme A Dehydrogenase Deficiency. Identifiers: Orphanet 26793, MedGen C3887523, MONDO:0008723, OMIM 201475.

Submissions (8):

ClinGen ACADVL Variant Curation Expert Panel, ClinGen
Classification: Pathogenic for Very long chain acyl-CoA dehydrogenase deficiency. Last evaluated: 2022-09-20. Review status: reviewed by expert panel. Criteria: clingen acadvl acmg specifications v1. Collection method: curation. Allele origin: germline. Inheritance: Autosomal recessive inheritance.
Comment: The c.428_467del; p.Gly143AlafsTer61 variant in ACADVL results in a frameshift predicted to cause a premature stop codon in biologically relevant exon 6/20 leading to nonsense mediated decay in a gene in which loss-of-function is an established disease mechanism (PVS1: PMIDs 9973285, 11590124). This variant is absent from gnomAD population database v2.1.1 (PM2_Supporting). This variant has also been reported once in a heterozygote patient with Very long chain acyl-coA dehydrogenase deficiency (VLCADD) (PP4, PMID:26385305). The ACADVL Variant Curation Expert Panel VCEP classified the variant as pathogenic based on (PVS1+PM2_supporting, PP4).

Natera, Inc.
Classification: Likely pathogenic for Very long chain acyl-CoA dehydrogenase deficiency. Last evaluated: 2024-09-30. Review status: criteria provided, single submitter. Criteria: Natera Variant Classification Schema (03/2026). Collection method: clinical testing. Allele origin: germline. Not counted in ClinVar's aggregate classification.
Comment: The c.428_467delGTCTGCAAGTGCCCAGTGAGCTGGGTGGTGTGGGCCTTTG variant in ACADVL is a frameshift variant predicted to shift the reading frame beginning at codon 143 and leads to a stop codon 61 codons downstream. This variant is expected to result in nonsense mediated decay, truncation, or a dysfunctional protein product. This variant is rare in the general population with a frequency below the threshold expected for the associated phenotype(s). Given the available evidence, this variant is classified as Likely Pathogenic.

Fulgent Genetics
Classification: Likely pathogenic for Very long chain acyl-CoA dehydrogenase deficiency. Last evaluated: 2024-05-21. Review status: criteria provided, single submitter. Criteria: ACMG Guidelines, 2015. Collection method: clinical testing. Allele origin: germline. Not counted in ClinVar's aggregate classification.

Labcorp Genetics (formerly Invitae), Labcorp
Classification: Pathogenic for Very long chain acyl-CoA dehydrogenase deficiency. Last evaluated: 2023-10-27. Review status: criteria provided, single submitter. Criteria: Invitae Variant Classification Sherloc (09022015). Collection method: clinical testing. Allele origin: germline. Not counted in ClinVar's aggregate classification.
Comment: This sequence change creates a premature translational stop signal (p.Gly143Alafs*61) in the ACADVL gene. It is expected to result in an absent or disrupted protein product. Loss-of-function variants in ACADVL are known to be pathogenic (PMID: 9973285, 11590124). This variant is present in population databases (rs758144859, gnomAD 0.0009%). This premature translational stop signal has been observed in individual(s) with a positive newborn screening result for ACADVL-related disease (PMID: 26385305). ClinVar contains an entry for this variant (Variation ID: 422995). For these reasons, this variant has been classified as Pathogenic.

Baylor Genetics
Classification: Pathogenic for Very long chain acyl-CoA dehydrogenase deficiency. Last evaluated: 2023-05-23. Review status: criteria provided, single submitter. Criteria: ACMG Guidelines, 2015. Collection method: clinical testing. Allele origin: unknown. Not counted in ClinVar's aggregate classification.

GeneDx
Classification: Pathogenic. Last evaluated: 2021-02-12. Review status: criteria provided, single submitter. Criteria: GeneDx Variant Classification Process June 2021. Collection method: clinical testing. Allele origin: germline. Affected: yes. Not counted in ClinVar's aggregate classification.
Comment: Frameshift variant predicted to result in protein truncation or nonsense mediated decay in a gene for which loss-of-function is a known mechanism of disease; Not observed at a significant frequency in large population cohorts (Lek et al., 2016); This variant is associated with the following publications: (PMID: 26385305)

Wong Mito Lab, Molecular and Human Genetics, Baylor College of Medicine
Classification: Pathogenic for Very long chain acyl-CoA dehydrogenase deficiency. Last evaluated: 2019-11-01. Review status: criteria provided, single submitter. Criteria: ACMG Guidelines, 2015. Collection method: clinical testing. Allele origin: germline. Not counted in ClinVar's aggregate classification.
Comment: The NM_000018.3:c.428_467del40 (NP_000009.1:p.Gly143AlafsTer61) [GRCH38: NC_000017.11:g.7221009_7221048del] variant in ACADVL gene is interpretated to be Pathogenic based on ACMG guidelines (PMID: 25741868). This variant has been reported. This variant meets the following evidence codes reported in the ACMG guidelines: PVS1, PS3

Counsyl
Classification: Likely pathogenic for Very long chain acyl-CoA dehydrogenase deficiency. Last evaluated: 2017-12-18. Review status: no assertion criteria provided. Collection method: clinical testing. Allele origin: unknown. Not counted in ClinVar's aggregate classification.

Literature cited by the submitters: PubMed 9973285 (cited by Labcorp Genetics (formerly Invitae), Labcorp); PubMed 11590124 (cited by Labcorp Genetics (formerly Invitae), Labcorp); PubMed 26385305 (cited by Labcorp Genetics (formerly Invitae), Labcorp and Counsyl).